The following is an entry in ClinVar:

ClinVar aggregate classification (germline): Pathogenic. Review status: criteria provided, multiple submitters, no conflicts (2 of 4 stars). 3 submissions from 3 submitters: Pathogenic (3). Last evaluated 2023-11-04.

Conditions:
Retinitis pigmentosa (RP). Identifiers: Orphanet 791, MedGen C0035334, MeSH D012174, MONDO:0019200, OMIM 268000. Inheritance: Autosomal dominant, autosomal recessive and X linked inheritance.
Retinitis pigmentosa 39 (RP39). Identifiers: Orphanet 791, MedGen C3151138, MONDO:0013436, OMIM 613809.

Allele frequency attached by ClinVar (database versions not stated): TOPMed below 0.00001.

Submissions (3):

Genome-Nilou Lab
Classification: Pathogenic for Retinitis pigmentosa 39. Last evaluated: 2023-11-04. Review status: criteria provided, single submitter. Criteria: ACMG Guidelines, 2015. Collection method: clinical testing. Allele origin: germline. Affected: no.

Labcorp Genetics (formerly Invitae), Labcorp
Classification: Pathogenic. Last evaluated: 2020-04-09. Review status: criteria provided, single submitter. Criteria: Invitae Variant Classification Sherloc (09022015). Collection method: clinical testing. Allele origin: germline.
Comment: For these reasons, this variant has been classified as Pathogenic. Loss-of-function variants in USH2A are known to be pathogenic (PMID: 10729113, 10909849, 20507924, 25649381). This variant has not been reported in the literature in individuals with USH2A-related conditions. This variant is not present in population databases (ExAC no frequency). This sequence change creates a premature translational stop signal (p.Glu4884*) in the USH2A gene. It is expected to result in an absent or disrupted protein product.

Molecular Genetics Laboratory, Institute for Ophthalmic Research
Classification: Pathogenic for Retinitis pigmentosa. Last evaluated: 2020-01-09. Review status: criteria provided, single submitter. Criteria: ACMG Guidelines, 2015. Collection method: research. Allele origin: germline. Affected: yes.

Literature cited by the submitters: PubMed 10729113 (cited by Labcorp Genetics (formerly Invitae), Labcorp); PubMed 10909849 (cited by Labcorp Genetics (formerly Invitae), Labcorp); PubMed 20507924 (cited by Labcorp Genetics (formerly Invitae), Labcorp); PubMed 25649381 (cited by Labcorp Genetics (formerly Invitae), Labcorp).

NM_206933.4(USH2A):c.14650G>T (p.Glu4884Ter)

Gene: USH2A (usherin; minus strand). Cytogenetic location: 1q41.
Variant type: single nucleotide variant.
Coding change: c.14650G>T on transcript NM_206933.4 (MANE Select); coding-DNA position 14650, G replaced by T.
Protein change: p.Glu4884Ter; replaces glutamic acid 4884 with a stop codon.
Molecular consequence: nonsense.
Genome position (GRCh38, 1-based): chr1:215,647,663, C>A on the plus strand (G>T on the coding strand, the complement: USH2A is on the minus strand). VCF-style: chr1-215647663-C-A. GRCh37 (hg19) VCF-style: chr1-215821005-C-A.
Other names: short protein forms E4884*.
Identifiers: ClinVar variation 813243 (VCV000813243.8), dbSNP rs948087886, ClinGen allele CA37389247.
Genomic context (GRCh38, chr1:215,647,663, plus strand): 5'-TGGTGTAGGGCTGGAGACCCCCAAGGCTGGCTTTCTGCCCCAGCCCCGTGTACTTTGTTT[C>A]TATTTGGCTGGGAGTACAGGGGAGGGCTGAGTCAGGAGGGCAAGCCACGTGGAATTGGAG-3'